The following is an entry in ClinVar:

ClinVar aggregate classification (germline): Benign. Review status: criteria provided, multiple submitters, no conflicts (2 of 4 stars). 3 submissions from 3 submitters: Benign (3). Last evaluated 2026-01-29.

Conditions:
Adult-onset autosomal dominant demyelinating leukodystrophy. Identifiers: Orphanet 99027, MedGen C1868512, MONDO:0008215.

Allele frequency attached by ClinVar (database versions not stated): gnomAD 0.03549 and 0.03827; 1000 Genomes Project 30x 0.03873; ESP Exome Variant Server 0.04052; TOPMed 0.04072; gnomAD exomes 0.00909; ExAC 0.01114; 1000 Genomes Project 0.03514.
gnomAD v4.1: 10,870 of 1,614,032 alleles (0.67%); highest among the groups gnomAD compares: African/African-American, 12%; 619 homozygotes.

Submissions (3):

Labcorp Genetics (formerly Invitae), Labcorp
Classification: Benign. Last evaluated: 2026-01-29. Review status: criteria provided, single submitter. Criteria: Invitae Variant Classification Sherloc (09022015). Collection method: clinical testing. Allele origin: germline.

GeneDx
Classification: Benign. Last evaluated: 2021-05-04. Review status: criteria provided, single submitter. Criteria: GeneDx Variant Classification Process June 2021. Collection method: clinical testing. Allele origin: germline. Affected: yes.

Illumina Laboratory Services, Illumina
Classification: Benign for Leukodystrophy, demyelinating, adult-onset, autosomal dominant, typical. Last evaluated: 2018-01-13. Review status: criteria provided, single submitter. Criteria: ICSL Variant Classification Criteria 13 December 2019. Collection method: clinical testing. Allele origin: germline.
Comment: This variant was observed in the ICSL laboratory as part of a predisposition screen in an ostensibly healthy population. It had not been previously curated by ICSL or reported in the Human Gene Mutation Database (HGMD: prior to June 1st, 2018), and was therefore a candidate for classification through an automated scoring system. Utilizing variant allele frequency, disease prevalence and penetrance estimates, and inheritance mode, an automated score was calculated to assess if this variant is too frequent to cause the disease. Based on the score and internal cut-off values, a variant classified as benign is not then subjected to further curation. The score for this variant resulted in a classification of benign for this disease.

NM_005573.4(LMNB1):c.1560G>A (p.Ser520=)

Gene: LMNB1 (lamin B1; plus strand). Cytogenetic location: 5q23.2.
Variant type: single nucleotide variant.
Coding change: c.1560G>A on transcript NM_005573.4 (MANE Select); coding-DNA position 1560, G replaced by A.
Protein change: p.Ser520=; no amino-acid change (serine 520 retained).
Molecular consequence: synonymous variant. On other transcripts: non-coding transcript variant (1).
Genome position (GRCh38, 1-based): chr5:126,826,056, G>A. VCF-style: chr5-126826056-G-A. GRCh37 (hg19) VCF-style: chr5-126161748-G-A.
Other names: c.930G>A, p.Ser310= (NM_001198557.2).
Identifiers: ClinVar variation 350620 (VCV000350620.14), dbSNP rs6875053, ClinGen allele CA3390755.